The following is an entry in ClinVar:

ClinVar aggregate classification (germline): Uncertain significance (1 of 4 stars; one submission).

Conditions:
Hereditary sensory and autonomic neuropathy type 6. Also called: Neuropathy, hereditary sensory and autonomic, type VI; HSAN VI. Identifiers: Orphanet 314381, MedGen C3539003, MONDO:0013839, OMIM 614653.
Epidermolysis bullosa simplex 3, localized or generalized intermediate, with BP230 deficiency (EBS3). Also called: Epidermolysis bullosa simplex due to BP230 deficiency; Epidermolysis bullosa simplex, autosomal recessive 2. Identifiers: Orphanet 412181, MedGen C3809470, MONDO:0014180, OMIM 615425.

gnomAD v4.1: 1 of 1,601,712 alleles (0.000062%); no homozygotes.

Submission:

Labcorp Genetics (formerly Invitae), Labcorp
Classification: Uncertain significance for Epidermolysis bullosa simplex 3, localized or generalized intermediate, with BP230 deficiency; Hereditary sensory and autonomic neuropathy type 6. Last evaluated: 2022-07-19. Review status: criteria provided, single submitter. Criteria: Invitae Variant Classification Sherloc (09022015). Collection method: clinical testing. Allele origin: germline.
Comment: In summary, the available evidence is currently insufficient to determine the role of this variant in disease. Therefore, it has been classified as a Variant of Uncertain Significance. Experimental studies and prediction algorithms are not available or were not evaluated, and the functional significance of this variant is currently unknown. This variant has not been reported in the literature in individuals affected with DST-related conditions. This variant is not present in population databases (gnomAD no frequency). This sequence change replaces aspartic acid, which is acidic and polar, with glycine, which is neutral and non-polar, at codon 3611 of the DST protein (p.Asp3611Gly). The DST gene has multiple clinically relevant transcripts. This variant occurs in alternate transcript NM_015548.4, and corresponds to NM_001723.5:c.*104241A>G in the primary transcript.

NM_001374736.1(DST):c.18701A>G (p.Asp6234Gly)

Gene: DST (dystonin; minus strand). Cytogenetic location: 6p12.1.
Variant type: single nucleotide variant.
Coding change: c.18701A>G on transcript NM_001374736.1 (MANE Select); coding-DNA position 18701, A replaced by G.
Protein change: p.Asp6234Gly; replaces aspartic acid 6234 with glycine.
Molecular consequence: missense variant.
Genome position (GRCh38, 1-based): chr6:56,511,276, T>C on the plus strand (A>G on the coding strand, the complement: DST is on the minus strand). VCF-style: chr6-56511276-T-C. GRCh37 (hg19) VCF-style: chr6-56376074-T-C.
Other names: c.12344A>G, p.Asp4115Gly (NM_001144769.5); c.11930A>G, p.Asp3977Gly (NM_001144770.2); c.18701A>G, p.Asp6234Gly (NM_001374722.1); c.17741A>G, p.Asp5914Gly (NM_001374729.1); c.11483A>G, p.Asp3828Gly (NM_001374730.1); c.18728A>G, p.Asp6243Gly (NM_001374734.1); c.11810A>G, p.Asp3937Gly (NM_001386100.1, NM_183380.4); c.10832A>G, p.Asp3611Gly (NM_015548.5); short protein forms D3611G, D3828G, D3937G, D3977G, D4115G, D5914G, D6234G, D6243G.
Identifiers: ClinVar variation 1051435 (VCV001051435.9), dbSNP rs767647662, ClinGen allele CA3867168.